The following is an entry in ClinVar:

ClinVar aggregate classification (germline): Uncertain significance. Review status: criteria provided, multiple submitters, no conflicts (2 of 4 stars). 2 submissions from 2 submitters: Uncertain significance (2). Last evaluated 2022-08-17.

Conditions:
Inborn genetic diseases. Identifiers: MedGen C0950123, MeSH D030342.
Familial episodic pain syndrome with predominantly lower limb involvement. Also called: Episodic pain syndrome, familial, 3. Identifiers: Orphanet 391384, Orphanet 391392, MedGen C3809899, MONDO:0014247, OMIM 615552.
Hereditary sensory and autonomic neuropathy type 7. Also called: HSAN VII; Neuropathy, hereditary sensory and autonomic, type VII. Identifiers: Orphanet 391397, MedGen C3809882, MONDO:0014244, OMIM 615548.

Allele frequency attached by ClinVar (database versions not stated): gnomAD 0.00001; gnomAD exomes 0.00001 and below 0.00001; TOPMed 0.00001; ExAC 0.00002.
gnomAD v4.1: 7 of 1,614,006 alleles (0.00043%); highest among the groups gnomAD compares: South Asian, 0.0044%; no homozygotes.

Submissions (2):

Ambry Genetics
Classification: Uncertain significance for Inborn genetic diseases. Last evaluated: 2022-08-17. Review status: criteria provided, single submitter. Criteria: Ambry Variant Classification Scheme 2023. Collection method: clinical testing. Allele origin: germline.

Labcorp Genetics (formerly Invitae), Labcorp
Classification: Uncertain significance for Familial episodic pain syndrome with predominantly lower limb involvement; Hereditary sensory and autonomic neuropathy type 7. Last evaluated: 2021-05-06. Review status: criteria provided, single submitter. Criteria: Invitae Variant Classification Sherloc (09022015). Collection method: clinical testing. Allele origin: germline.
Comment: In summary, the available evidence is currently insufficient to determine the role of this variant in disease. Therefore, it has been classified as a Variant of Uncertain Significance. Algorithms developed to predict the effect of missense changes on protein structure and function are either unavailable or do not agree on the potential impact of this missense change (SIFT: "Deleterious"; PolyPhen-2: "Benign"; Align-GVGD: "Class C0"). This variant has not been reported in the literature in individuals with SCN11A-related conditions. This variant is present in population databases (rs779114496, ExAC 0.01%). This sequence change replaces phenylalanine with leucine at codon 1519 of the SCN11A protein (p.Phe1519Leu). The phenylalanine residue is highly conserved and there is a small physicochemical difference between phenylalanine and leucine.

NM_001349253.2(SCN11A):c.4555T>C (p.Phe1519Leu)

Gene: SCN11A (sodium voltage-gated channel alpha subunit 11; minus strand). Cytogenetic location: 3p22.2.
Variant type: single nucleotide variant.
Coding change: c.4555T>C on transcript NM_001349253.2 (MANE Select); coding-DNA position 4555, T replaced by C.
Protein change: p.Phe1519Leu; replaces phenylalanine 1519 with leucine.
Molecular consequence: missense variant.
Genome position (GRCh38, 1-based): chr3:38,847,515, A>G on the plus strand (T>C on the coding strand, the complement: SCN11A is on the minus strand). VCF-style: chr3-38847515-A-G. GRCh37 (hg19) VCF-style: chr3-38889006-A-G.
Other names: c.4555T>C, p.Phe1519Leu (NM_014139.3); short protein forms F1519L.
Identifiers: ClinVar variation 961526 (VCV000961526.8), dbSNP rs779114496, ClinGen allele CA2321495.
Genomic context (GRCh38, chr3:38,847,515, plus strand): 5'-TGGCAAAAGTCTTGAAGTTGAATATGTCATCGATTCCAGACTCTGGATTCACTTTGGAAA[A>G]CCAGTTCATACCCAGAATGGCATAGATAAACATAATCAGAAAGAGTAGAAGACCAATGTT-3'
Protein context (NP_001336182.1, residues 1509-1529): FIYAILGMNW[Phe1519Leu]SKVNPESGID